The following is an entry in ClinVar:

NM_022739.4(SMURF2):c.858-4G>T

Gene: SMURF2 (SMAD specific E3 ubiquitin protein ligase 2; minus strand). Cytogenetic location: 17q23.3.
Variant type: single nucleotide variant.
Coding change: c.858-4G>T on transcript NM_022739.4 (MANE Select); 4 bases into the intron before coding-DNA position 858, G replaced by T.
Molecular consequence: intron variant.
Genome position (GRCh38, 1-based): chr17:64,571,960, C>A on the plus strand (G>T on the coding strand, the complement: SMURF2 is on the minus strand). VCF-style: chr17-64571960-C-A. GRCh37 (hg19) VCF-style: chr17-62568078-C-A.
Identifiers: ClinVar variation 3045849 (VCV003045849.2), dbSNP rs536814155, ClinGen allele CA8715021.

ClinVar aggregate classification (germline): Likely benign (0 of 4 stars; one submission).

Conditions:
SMURF2-related disorder. Also called: SMURF2-related condition.

Allele frequency attached by ClinVar (database versions not stated): ExAC 0.00012; 1000 Genomes Project 0.00020; 1000 Genomes Project 30x 0.00031.
gnomAD v4.1: 71 of 1,598,600 alleles (0.0044%); highest among the groups gnomAD compares: South Asian, 0.081%; no homozygotes.

Submission:

PreventionGenetics, part of Exact Sciences
Classification: Likely benign for SMURF2-related condition. Last evaluated: 2019-04-11. Review status: no assertion criteria provided. Collection method: clinical testing. Allele origin: germline.
Comment: This variant is classified as likely benign based on ACMG/AMP sequence variant interpretation guidelines (Richards et al. 2015 PMID: 25741868, with internal and published modifications).